The following is an entry in ClinVar:

ClinVar aggregate classification (germline): Uncertain significance (1 of 4 stars; one submission).

gnomAD v4.1: 2 of 1,613,792 alleles (0.00012%); highest among the groups gnomAD compares: Non-Finnish European, 0.00017%; no homozygotes.

Submission:

Labcorp Genetics (formerly Invitae), Labcorp
Classification: Uncertain significance. Last evaluated: 2026-01-30. Review status: criteria provided, single submitter. Criteria: Invitae Variant Classification Sherloc (09022015). Collection method: clinical testing. Allele origin: germline.
Comment: This sequence change replaces alanine, which is neutral and non-polar, with proline, which is neutral and non-polar, at codon 512 of the KLF11 protein (p.Ala512Pro). This variant is not present in population databases (gnomAD no frequency). This variant has not been reported in the literature in individuals affected with KLF11-related conditions. An algorithm developed to predict the effect of missense changes on protein structure and function outputs the following: PolyPhen-2: "Possibly Damaging". The proline amino acid residue is found in multiple mammalian species, which suggests that this missense change does not adversely affect protein function. In summary, the available evidence is currently insufficient to determine the role of this variant in disease. Therefore, it has been classified as a Variant of Uncertain Significance.

NM_003597.5(KLF11):c.1534G>C (p.Ala512Pro)

Gene: KLF11 (KLF transcription factor 11; plus strand). Cytogenetic location: 2p25.1.
Variant type: single nucleotide variant.
Coding change: c.1534G>C on transcript NM_003597.5 (MANE Select); coding-DNA position 1534, G replaced by C.
Protein change: p.Ala512Pro; replaces alanine 512 with proline.
Molecular consequence: missense variant.
Genome position (GRCh38, 1-based): chr2:10,052,502, G>C. VCF-style: chr2-10052502-G-C. GRCh37 (hg19) VCF-style: chr2-10192629-G-C.
Other names: c.1483G>C, p.Ala495Pro (NM_001177716.2, NM_001177718.2); short protein forms A495P, A512P.
Identifiers: ClinVar variation 4735584 (VCV004735584.1).
Genomic context (GRCh38, chr2:10,052,502, plus strand): 5'-CTGAACAGAATCGCCTCTGCAGAGAGCCCGGGGAGCCCACTGGTGAGCATGCCAGCCTCT[G>C]CCTGAAAGGTCCATTAGGACATCACTCATGGGATTTTTAAAAAGCCTCTTTCCAGGAATG-3'
Protein context (NP_003588.1, residues 502-512): GSPLVSMPAS[Ala512Pro]